The following is an entry in ClinVar:

NM_032520.5(GNPTG):c.691G>T (p.Glu231Ter)

Gene: GNPTG (N-acetylglucosamine-1-phosphate transferase subunit gamma; plus strand). Cytogenetic location: 16p13.3.
Variant type: single nucleotide variant.
Coding change: c.691G>T on transcript NM_032520.5 (MANE Select); coding-DNA position 691, G replaced by T.
Protein change: p.Glu231Ter; replaces glutamic acid 231 with a stop codon.
Molecular consequence: nonsense.
Genome position (GRCh38, 1-based): chr16:1,362,692, G>T. VCF-style: chr16-1362692-G-T. GRCh37 (hg19) VCF-style: chr16-1412693-G-T.
Other names: short protein forms E231*.
Identifiers: ClinVar variation 1725822 (VCV001725822.2), dbSNP rs771844889, ClinGen allele CA394188544.
Genomic context (GRCh38, chr16:1,362,692, plus strand): 5'-ACACTTTTTGAGGATGCTGGCTACTTAAAGACCCCAGAAGAAAATGAACCCACCCAGCTG[G>T]AGGGAGGTCCTGACAGCTTGGGGTTTGAGACCCTGGAAAACTGCAGGAAGGTACCGTATT-3'

ClinVar aggregate classification (germline): Likely pathogenic (1 of 4 stars; one submission).

Conditions:
GNPTG-mucolipidosis. Also called: ML III GAMMA; ML IIIC; MUCOLIPIDOSIS III, COMPLEMENTATION GROUP C; MUCOLIPIDOSIS III, IRANIAN VARIANT FORM; MUCOLIPIDOSIS III, VARIANT FORM; Mucolipidosis type III gamma. Identifiers: Orphanet 423470, Orphanet 577, MedGen C1854896, MONDO:0009652, OMIM 252605.

Submission:

Myriad Genetics, Inc.
Classification: Likely pathogenic for GNPTG-mucolipidosis. Last evaluated: 2022-04-02. Review status: criteria provided, single submitter. Criteria: Myriad Women's Health Autosomal Recessive and X-Linked Classification Criteria (2021). Collection method: clinical testing. Allele origin: unknown.
Comment: NM_032520.4(GNPTG):c.691G>T(E231*) is expected to be pathogenic in the context of mucolipidosis III gamma. This variant is predicted to lead to an abnormal or absent protein product due to the creation of a premature termination codon in GNPTG, a gene where loss-of-function variants are known to be pathogenic. Please note: this variant was assessed in the context of healthy population screening.